The following is an entry in ClinVar:

ClinVar aggregate classification (germline): Uncertain significance. Review status: criteria provided, multiple submitters, no conflicts (2 of 4 stars). 2 submissions from 2 submitters: Uncertain significance (2). Last evaluated 2026-01-25.

Conditions:
Inborn genetic diseases. Identifiers: MedGen C0950123, MeSH D030342.

Allele frequency attached by ClinVar (database versions not stated): gnomAD 0.00001; gnomAD exomes 0.00001 and 0.00003; ExAC 0.00003; 1000 Genomes Project 30x 0.00016; 1000 Genomes Project 0.00020.
gnomAD v4.1: 12 of 1,614,192 alleles (0.00074%); highest among the groups gnomAD compares: Admixed American, 0.013%; no homozygotes.

Submissions (2):

Labcorp Genetics (formerly Invitae), Labcorp
Classification: Uncertain significance. Last evaluated: 2026-01-25. Review status: criteria provided, single submitter. Criteria: Invitae Variant Classification Sherloc (09022015). Collection method: clinical testing. Allele origin: germline.
Comment: This sequence change replaces glutamic acid, which is acidic and polar, with alanine, which is neutral and non-polar, at codon 1773 of the MYH3 protein (p.Glu1773Ala). This variant is present in population databases (rs561334768, gnomAD 0.02%). This variant has not been reported in the literature in individuals affected with MYH3-related conditions. ClinVar contains an entry for this variant (Variation ID: 1520248). Invitae Evidence Modeling of protein sequence and biophysical properties (such as structural, functional, and spatial information, amino acid conservation, physicochemical variation, residue mobility, and thermodynamic stability) indicates that this missense variant is not expected to disrupt MYH3 protein function with a negative predictive value of 95%. In summary, the available evidence is currently insufficient to determine the role of this variant in disease. Therefore, it has been classified as a Variant of Uncertain Significance.

Ambry Genetics
Classification: Uncertain significance for Inborn genetic diseases. Last evaluated: 2025-04-09. Review status: criteria provided, single submitter. Criteria: Ambry Variant Classification Scheme 2023. Collection method: clinical testing. Allele origin: germline.

NM_002470.4(MYH3):c.5318A>C (p.Glu1773Ala)

Gene: MYH3 (myosin heavy chain 3; minus strand). Cytogenetic location: 17p13.1.
Variant type: single nucleotide variant.
Coding change: c.5318A>C on transcript NM_002470.4 (MANE Select); coding-DNA position 5318, A replaced by C.
Protein change: p.Glu1773Ala; replaces glutamic acid 1773 with alanine.
Molecular consequence: missense variant.
Genome position (GRCh38, 1-based): chr17:10,630,427, T>G on the plus strand (A>C on the coding strand, the complement: MYH3 is on the minus strand). VCF-style: chr17-10630427-T-G. GRCh37 (hg19) VCF-style: chr17-10533744-T-G.
Other names: c.5318A>C (NM_002470.3); short protein forms E1773A.
Identifiers: ClinVar variation 1520248 (VCV001520248.7), dbSNP rs561334768, ClinGen allele CA8391965.
Genomic context (GRCh38, chr17:10,630,427, plus strand): 5'-TCCTTCACCGTCTGTTCCAGGTTCTTCTTCATCCGCTCAAGGTGGGCGCTGGTGTCCTGC[T>G]CCTTCTTCAGCTCCTCCGCCATCATGGCAGCCTGAAAAGCACATGGGACTTGCTAGGATG-3'
Protein context (NP_002461.2, residues 1763-1783): AAMMAEELKK[Glu1773Ala]QDTSAHLERM